The following is an entry in ClinVar:

ClinVar aggregate classification (germline): Benign/Likely benign. Review status: criteria provided, multiple submitters, no conflicts (2 of 4 stars). 8 submissions from 8 submitters: Benign (2); Likely benign (5). 1 of the submissions does not count toward it. Last evaluated 2026-01-31.

Conditions:
Inborn genetic diseases. Identifiers: MedGen C0950123, MeSH D030342.
KMT2A-related disorder. Also called: KMT2A-related condition.

Allele frequency attached by ClinVar (database versions not stated): 1000 Genomes Project 30x 0.00016; 1000 Genomes Project 0.00020; TOPMed 0.00082; ExAC 0.00090; gnomAD exomes 0.00097 and 0.00124; gnomAD 0.00101 and 0.00102; ESP Exome Variant Server 0.00108.
gnomAD v4.1: 1,961 of 1,614,188 alleles (0.12%); highest among the groups gnomAD compares: Non-Finnish European, 0.14%; 5 homozygotes.

Submissions (8):

Labcorp Genetics (formerly Invitae), Labcorp
Classification: Likely benign. Last evaluated: 2026-01-31. Review status: criteria provided, single submitter. Criteria: Invitae Variant Classification Sherloc (09022015). Collection method: clinical testing. Allele origin: germline.

CeGaT Center for Human Genetics Tuebingen
Classification: Likely benign. Last evaluated: 2025-06-01. Review status: criteria provided, single submitter. Criteria: CeGaT Center For Human Genetics Tuebingen Variant Classification Criteria Version 2. Collection method: clinical testing. Allele origin: germline. Affected: yes. Observed: 5 variant alleles.
Comment: KMT2A: BP4, BS2

Ambry Genetics
Classification: Likely benign for Inborn genetic diseases. Last evaluated: 2025-03-27. Review status: criteria provided, single submitter. Criteria: Ambry Variant Classification Scheme 2023. Collection method: clinical testing. Allele origin: germline.

Laboratory of Genetics, Children's Clinical University Hospital Latvia
Classification: Benign. Last evaluated: 2025-02-16. Review status: criteria provided, single submitter. Criteria: ACMG Guidelines, 2015. Collection method: clinical testing. Allele origin: germline. Affected: yes.

Blueprint Genetics
Classification: Likely benign. Last evaluated: 2024-10-18. Review status: criteria provided, single submitter. Criteria: ACMG Guidelines, 2015. Collection method: clinical testing. Allele origin: germline.

Genetic Services Laboratory, University of Chicago
Classification: Likely benign. Last evaluated: 2021-07-22. Review status: criteria provided, single submitter. Criteria: ACMG Guidelines, 2015. Collection method: clinical testing. Allele origin: germline. Affected: no.

GeneDx
Classification: Benign. Last evaluated: 2020-01-13. Review status: criteria provided, single submitter. Criteria: GeneDx Variant Classification Process June 2021. Collection method: clinical testing. Allele origin: germline. Affected: yes.

PreventionGenetics, part of Exact Sciences
Classification: Benign for KMT2A-related condition. Last evaluated: 2020-03-06. Review status: no assertion criteria provided. Collection method: clinical testing. Allele origin: germline. Not counted in ClinVar's aggregate classification.
Comment: This variant is classified as benign based on ACMG/AMP sequence variant interpretation guidelines (Richards et al. 2015 PMID: 25741868, with internal and published modifications).

NM_001197104.2(KMT2A):c.2965C>T (p.Leu989Phe)

Gene: KMT2A (lysine methyltransferase 2A; plus strand). Cytogenetic location: 11q23.3.
Variant type: single nucleotide variant.
Coding change: c.2965C>T on transcript NM_001197104.2 (MANE Select); coding-DNA position 2965, C replaced by T.
Protein change: p.Leu989Phe; replaces leucine 989 with phenylalanine.
Molecular consequence: missense variant.
Genome position (GRCh38, 1-based): chr11:118,474,124, C>T. VCF-style: chr11-118474124-C-T. GRCh37 (hg19) VCF-style: chr11-118344839-C-T.
Other names: c.2965C>T, p.Leu989Phe (NM_005933.4); short protein forms L989F.
Identifiers: ClinVar variation 721231 (VCV000721231.42), dbSNP rs139989306, ClinGen allele CA6303584.